The following is an entry in ClinVar:

NM_152384.3(BBS5):c.59+5G>T

Genes: BBS5 (Bardet-Biedl syndrome 5; plus strand), LOC129935068 (ATAC-STARR-seq lymphoblastoid active region 16738; plus strand). Cytogenetic location: 2q31.1.
Variant type: single nucleotide variant.
Coding change: c.59+5G>T on transcript NM_152384.3 (MANE Select); 5 bases into the intron after coding-DNA position 59, G replaced by T.
Molecular consequence: intron variant.
Genome position (GRCh38, 1-based): chr2:169,479,617, G>T. VCF-style: chr2-169479617-G-T. GRCh37 (hg19) VCF-style: chr2-170336127-G-T.
Identifiers: ClinVar variation 2021586 (VCV002021586.4), dbSNP rs2105290053, ClinGen allele CA2580064464.

ClinVar aggregate classification (germline): Likely pathogenic (1 of 4 stars; one submission).

Conditions:
Bardet-Biedl syndrome (BBS). Identifiers: Orphanet 110, MedGen C0752166, MONDO:0015229.

Submission:

Labcorp Genetics (formerly Invitae), Labcorp
Classification: Likely pathogenic for Bardet-Biedl syndrome. Last evaluated: 2022-08-04. Review status: criteria provided, single submitter. Criteria: Invitae Variant Classification Sherloc (09022015). Collection method: clinical testing. Allele origin: germline.
Comment: Variants that disrupt the consensus splice site are a relatively common cause of aberrant splicing (PMID: 17576681, 9536098). Algorithms developed to predict the effect of sequence changes on RNA splicing suggest that this variant may disrupt the consensus splice site. In summary, the currently available evidence indicates that the variant is pathogenic, but additional data are needed to prove that conclusively. Therefore, this variant has been classified as Likely Pathogenic. This variant has been observed in individual(s) with clinical features of Bardet-Biedl syndrome (Invitae). This variant is not present in population databases (gnomAD no frequency). This sequence change falls in intron 1 of the BBS5 gene. It does not directly change the encoded amino acid sequence of the BBS5 protein. It affects a nucleotide within the consensus splice site.

Literature cited by the submitters: PubMed 17576681; PubMed 9536098.